The following is an entry in ClinVar:

ClinVar aggregate classification (germline): Conflicting classifications of pathogenicity. Review status: criteria provided, conflicting classifications (1 of 4 stars). 4 submissions from 4 submitters: Uncertain significance (2); Likely benign (2). Last evaluated 2025-10-02.

Conditions:
Inborn genetic diseases. Identifiers: MedGen C0950123, MeSH D030342.

Allele frequency attached by ClinVar (database versions not stated): ExAC 0.00002; gnomAD 0.00003 and 0.00004; gnomAD exomes 0.00003 and 0.00004; TOPMed 0.00003.
gnomAD v4.1: 68 of 1,613,682 alleles (0.0042%); highest among the groups gnomAD compares: Non-Finnish European, 0.0054%; no homozygotes.

Submissions (4):

Labcorp Genetics (formerly Invitae), Labcorp
Classification: Likely benign. Last evaluated: 2025-10-02. Review status: criteria provided, single submitter. Criteria: Invitae Variant Classification Sherloc (09022015). Collection method: clinical testing. Allele origin: germline.

Ambry Genetics
Classification: Likely benign for Inborn genetic diseases. Last evaluated: 2024-10-06. Review status: criteria provided, single submitter. Criteria: Ambry Variant Classification Scheme 2023. Collection method: clinical testing. Allele origin: germline.

CeGaT Center for Human Genetics Tuebingen
Classification: Uncertain significance. Last evaluated: 2022-05-01. Review status: criteria provided, single submitter. Criteria: CeGaT Center For Human Genetics Tuebingen Variant Classification Criteria Version 2. Collection method: clinical testing. Allele origin: germline. Affected: yes. Observed: 1 variant allele.
Comment: KCNH1: PP2, PP3

Institute for Clinical Genetics, University Hospital TU Dresden, University Hospital TU Dresden
Classification: Uncertain significance. Last evaluated: 2021-11-03. Review status: criteria provided, single submitter. Criteria: ACMG Guidelines, 2015. Collection method: clinical testing. Allele origin: germline.

NM_172362.3(KCNH1):c.544T>A (p.Ser182Thr)

Gene: KCNH1 (potassium voltage-gated channel subfamily H member 1; minus strand). Cytogenetic location: 1q32.2.
Variant type: single nucleotide variant.
Coding change: c.544T>A on transcript NM_172362.3 (MANE Select); coding-DNA position 544, T replaced by A.
Protein change: p.Ser182Thr; replaces serine 182 with threonine.
Molecular consequence: missense variant.
Genome position (GRCh38, 1-based): chr1:211,082,794, A>T on the plus strand (T>A on the coding strand, the complement: KCNH1 is on the minus strand). VCF-style: chr1-211082794-A-T. GRCh37 (hg19) VCF-style: chr1-211256136-A-T.
Other names: c.544T>A, p.Ser182Thr (NM_002238.4); short protein forms S182T.
Identifiers: ClinVar variation 1319807 (VCV001319807.39), dbSNP rs749800577, ClinGen allele CA1380011.